The following is an entry in ClinVar:

NM_000038.6(APC):c.8356T>G (p.Tyr2786Asp)

Gene: APC (APC regulator of Wnt signaling pathway; plus strand). Cytogenetic location: 5q22.2.
Variant type: single nucleotide variant.
Coding change: c.8356T>G on transcript NM_000038.6 (MANE Select); coding-DNA position 8356, T replaced by G.
Protein change: p.Tyr2786Asp; replaces tyrosine 2786 with aspartic acid.
Molecular consequence: missense variant.
Genome position (GRCh38, 1-based): chr5:112,843,950, T>G. VCF-style: chr5-112843950-T-G. GRCh37 (hg19) VCF-style: chr5-112179647-T-G.
Other names: c.8356T>G, p.Tyr2786Asp (NM_001127510.3, NM_001354895.2); c.8302T>G, p.Tyr2768Asp (NM_001127511.3); c.8410T>G, p.Tyr2804Asp (NM_001354896.2); c.8386T>G, p.Tyr2796Asp (NM_001354897.2); c.8281T>G, p.Tyr2761Asp (NM_001354898.2); c.8272T>G, p.Tyr2758Asp (NM_001354899.2); c.8233T>G, p.Tyr2745Asp (NM_001354900.2); c.8179T>G, p.Tyr2727Asp (NM_001354901.2); and 5 more; short protein forms Y2503D, Y2727D, Y2768D, Y2804D, Y2660D, Y2695D, Y2626D, Y2685D.
Identifiers: ClinVar variation 952955 (VCV000952955.11), dbSNP rs1766720515, ClinGen allele CA16039463.

ClinVar aggregate classification (germline): Uncertain significance (1 of 4 stars; one submission).

Conditions:
Familial adenomatous polyposis 1 (FAP1). Also called: POLYPOSIS, ADENOMATOUS INTESTINAL; FAMILIAL ADENOMATOUS POLYPOSIS 1, ATTENUATED. Identifiers: MedGen C2713442, MONDO:0021056, OMIM 175100. Disease mechanism: loss of function.

Submission:

Labcorp Genetics (formerly Invitae), Labcorp
Classification: Uncertain significance for Familial adenomatous polyposis 1. Last evaluated: 2019-05-23. Review status: criteria provided, single submitter. Criteria: Invitae Variant Classification Sherloc (09022015). Collection method: clinical testing. Allele origin: germline.
Comment: In summary, the available evidence is currently insufficient to determine the role of this variant in disease. Therefore, it has been classified as a Variant of Uncertain Significance. This variant is not present in population databases (ExAC no frequency). Algorithms developed to predict the effect of missense changes on protein structure and function (SIFT, PolyPhen-2, Align-GVGD) all suggest that this variant is likely to be disruptive, but these predictions have not been confirmed by published functional studies and their clinical significance is uncertain. This variant has not been reported in the literature in individuals with APC-related conditions. This sequence change replaces tyrosine with aspartic acid at codon 2786 of the APC protein (p.Tyr2786Asp). The tyrosine residue is highly conserved and there is a large physicochemical difference between tyrosine and aspartic acid.